The following is an entry in ClinVar:

NM_001278512.2(AP3B2):c.3009G>A (p.Lys1003=)

Genes: AP3B2 (adaptor related protein complex 3 subunit beta 2; minus strand), CPEB1-AS1 (CPEB1 antisense RNA 1; plus strand). Cytogenetic location: 15q25.2.
Variant type: single nucleotide variant.
Coding change: c.3009G>A on transcript NM_001278512.2 (MANE Select); coding-DNA position 3009, G replaced by A.
Protein change: p.Lys1003=; no amino-acid change (lysine 1003 retained).
Molecular consequence: synonymous variant.
Genome position (GRCh38, 1-based): chr15:82,661,832, C>T on the plus strand (G>A on the coding strand, the complement: AP3B2 is on the minus strand). VCF-style: chr15-82661832-C-T. GRCh37 (hg19) VCF-style: chr15-83330584-C-T.
Other names: c.2856G>A, p.Lys952= (NM_001278511.2); c.141G>A, p.Lys47= (NM_001348441.2); c.2952G>A, p.Lys984= (NM_004644.5).
Identifiers: ClinVar variation 777464 (VCV000777464.48), dbSNP rs184007787, ClinGen allele CA7699731.

ClinVar aggregate classification (germline): Benign/Likely benign. Review status: criteria provided, multiple submitters, no conflicts (2 of 4 stars). 7 submissions from 7 submitters: Benign (1); Likely benign (3). 3 of the submissions do not count toward it. Last evaluated 2026-07-01.

Conditions:
AP3B2-related disorder. Also called: AP3B2-related condition.

Allele frequency attached by ClinVar (database versions not stated): ESP Exome Variant Server 0.00193; 1000 Genomes Project 30x 0.00219; 1000 Genomes Project 0.00240; gnomAD 0.00278; TOPMed 0.00300; gnomAD exomes 0.00353 and 0.00398; ExAC 0.00441.
gnomAD v4.1: 6,263 of 1,612,566 alleles (0.39%); highest among the groups gnomAD compares: Middle Eastern, 1%; 23 homozygotes.

Submissions (7):

CeGaT Center for Human Genetics Tuebingen
Classification: Likely benign. Last evaluated: 2026-07-01. Review status: criteria provided, single submitter. Criteria: CeGaT Center For Human Genetics Tuebingen Variant Classification Criteria Version 2. Collection method: clinical testing. Allele origin: germline. Affected: yes. Observed: 26 variant alleles.
Comment: AP3B2: BP4, BP7, BS2

Labcorp Genetics (formerly Invitae), Labcorp
Classification: Benign. Last evaluated: 2026-01-27. Review status: criteria provided, single submitter. Criteria: Invitae Variant Classification Sherloc (09022015). Collection method: clinical testing. Allele origin: germline.

Blueprint Genetics
Classification: Likely benign. Last evaluated: 2024-11-26. Review status: criteria provided, single submitter. Criteria: ACMG Guidelines, 2015. Collection method: clinical testing. Allele origin: germline.

Breakthrough Genomics
Classification: Likely benign. Review status: criteria provided, single submitter. Criteria: ACMG Guidelines, 2015. Collection method: not provided. Allele origin: germline. Inheritance: Autosomal recessive inheritance. Affected: yes.

PreventionGenetics, part of Exact Sciences
Classification: Benign for AP3B2-related condition. Last evaluated: 2024-07-22. Review status: no assertion criteria provided. Collection method: clinical testing. Allele origin: germline. Not counted in ClinVar's aggregate classification.
Comment: This variant is classified as benign based on ACMG/AMP sequence variant interpretation guidelines (Richards et al. 2015 PMID: 25741868, with internal and published modifications).

Clinical Genetics DNA and cytogenetics Diagnostics Lab, Erasmus MC, Erasmus Medical Center
Classification: Likely benign. Review status: no assertion criteria provided. Collection method: clinical testing. Allele origin: germline. Affected: yes. Study: VKGL Data-share Consensus. Not counted in ClinVar's aggregate classification.

Genome Diagnostics Laboratory, University Medical Center Utrecht
Classification: Likely benign. Review status: no assertion criteria provided. Collection method: clinical testing. Allele origin: germline. Affected: yes. Study: VKGL Data-share Consensus. Not counted in ClinVar's aggregate classification.